The following is an entry in ClinVar:

ClinVar aggregate classification (germline): Uncertain significance (1 of 4 stars; one submission).

Conditions:
Primary ciliary dyskinesia. Also called: Ciliary dyskinesia. Identifiers: Orphanet 244, MedGen C0008780, MONDO:0016575, HP:0012265.

Allele frequency attached by ClinVar (database versions not stated): ESP Exome Variant Server 0.00008.
gnomAD v4.1: 16 of 1,614,084 alleles (0.00099%); highest among the groups gnomAD compares: South Asian, 0.012%; no homozygotes.

Submission:

Ambry Genetics
Classification: Uncertain significance for Primary ciliary dyskinesia. Last evaluated: 2024-03-06. Review status: criteria provided, single submitter. Criteria: Ambry Variant Classification Scheme 2023. Collection method: clinical testing. Allele origin: germline.
Comment: The p.N975D variant (also known as c.2923A>G), located in coding exon 18 of the ARMC4 gene, results from an A to G substitution at nucleotide position 2923. The asparagine at codon 975 is replaced by aspartic acid, an amino acid with highly similar properties. This amino acid position is conserved. In addition, this alteration is predicted to be tolerated by in silico analysis. Based on the available evidence, the clinical significance of this alteration remains unclear.

NM_018076.5(ODAD2):c.2923A>G (p.Asn975Asp)

Gene: ODAD2 (outer dynein arm docking complex subunit 2; minus strand). Cytogenetic location: 10p12.1.
Variant type: single nucleotide variant.
Coding change: c.2923A>G on transcript NM_018076.5 (MANE Select); coding-DNA position 2923, A replaced by G.
Protein change: p.Asn975Asp; replaces asparagine 975 with aspartic acid.
Molecular consequence: missense variant.
Genome position (GRCh38, 1-based): chr10:27,860,723, T>C on the plus strand (A>G on the coding strand, the complement: ODAD2 is on the minus strand). VCF-style: chr10-27860723-T-C. GRCh37 (hg19) VCF-style: chr10-28149652-T-C.
Other names: c.2923A>G, p.Asn975Asp (NM_001290020.2); c.1498A>G, p.Asn500Asp (NM_001290021.2); c.1999A>G, p.Asn667Asp (NM_001312689.2); short protein forms N500D, N667D, N975D.
Identifiers: ClinVar variation 3227118 (VCV003227118.1), dbSNP rs145526722, ClinGen allele CA5453068.